The following is an entry in ClinVar:

NM_000540.3(RYR1):c.7718A>G (p.Glu2573Gly)

Gene: RYR1 (ryanodine receptor 1; plus strand). Cytogenetic location: 19q13.2.
Variant type: single nucleotide variant.
Coding change: c.7718A>G on transcript NM_000540.3 (MANE Select); coding-DNA position 7718, A replaced by G.
Protein change: p.Glu2573Gly; replaces glutamic acid 2573 with glycine.
Molecular consequence: missense variant.
Genome position (GRCh38, 1-based): chr19:38,502,610, A>G. VCF-style: chr19-38502610-A-G. GRCh37 (hg19) VCF-style: chr19-38993250-A-G.
Other names: c.7718A>G, p.Glu2573Gly (NM_001042723.2); short protein forms E2573G.
Identifiers: ClinVar variation 3073136 (VCV003073136.1), dbSNP rs763065278, ClinGen allele CA070050.

ClinVar aggregate classification (germline): Uncertain significance (1 of 4 stars; one submission).

Conditions:
Malignant hyperthermia, susceptibility to, 1 (MHS1). Also called: Anesthesia related hyperthermia; Malignant hyperpyrexia; Fulminating hyperpyrexia; Pharmacogenic myopathy; RYR1-Related Malignant Hyperthermia Susceptibility; Malignant hyperthermia suceptibility 1. Identifiers: Orphanet 423, MedGen C2930980, MONDO:0007783, OMIM 145600.

Allele frequency attached by ClinVar (database versions not stated): ExAC 0.00001; gnomAD exomes 0.00001.
gnomAD v4.1: 10 of 1,612,756 alleles (0.00062%); highest among the groups gnomAD compares: Non-Finnish European, 0.00085%; no homozygotes.

Submission:

All of Us Research Program, National Institutes of Health
Classification: Uncertain significance for Malignant hyperthermia, susceptibility to, 1. Last evaluated: 2023-08-23. Review status: criteria provided, single submitter. Criteria: ACMG Guidelines, 2015. Collection method: clinical testing. Allele origin: germline. Inheritance: Autosomal dominant inheritance. Observed: 1 variant allele, 1 heterozygote.
Comment: This missense variant replaces glutamic acid with glycine at codon 2573 of the RYR1 protein. Computational prediction suggests that this variant may have deleterious impact on protein structure and function (internally defined REVEL score threshold >= 0.7, PMID: 27666373). To our knowledge, functional studies have not been reported for this variant. This variant has not been reported in individuals affected with RYR1-related disorders in the literature. This variant has been identified in 1/250424 chromosomes in the general population by the Genome Aggregation Database (gnomAD). The available evidence is insufficient to determine the role of this variant in disease conclusively. Therefore, this variant is classified as a Variant of Uncertain Significance.

This study involves interpretation of variants in research participants for the purpose of population health screening. Participant phenotype was not available at the time of variant classification. Additional details can be found in publication PMID: 35346344, PMCID: PMC8962531